The following is an entry in ClinVar:

ClinVar aggregate classification (germline): Uncertain significance. Review status: criteria provided, multiple submitters, no conflicts (2 of 4 stars). 2 submissions from 2 submitters: Uncertain significance (2). Last evaluated 2026-07-18.

Conditions:
Hereditary cancer-predisposing syndrome. Also called: Hereditary Cancer Syndrome; Hereditary neoplastic syndrome; Neoplastic Syndromes, Hereditary; Tumor predisposition. Identifiers: Orphanet 140162, MedGen C0027672, MeSH D009386, MONDO:0015356.

Submissions (2):

Ambry Genetics
Classification: Uncertain significance for Hereditary cancer-predisposing syndrome. Last evaluated: 2026-07-18. Review status: criteria provided, single submitter. Criteria: Ambry Variant Classification Scheme 2023. Collection method: clinical testing. Allele origin: germline.
Comment: The p.S281R variant (also known as c.843C>G), located in coding exon 2 of the HOXB13 gene, results from a C to G substitution at nucleotide position 843. The serine at codon 281 is replaced by arginine, an amino acid with dissimilar properties. This amino acid position is conserved. In addition, this alteration is predicted to be tolerated by in silico analysis. Based on the available evidence, the clinical significance of this variant remains unclear.

Labcorp Genetics (formerly Invitae), Labcorp
Classification: Uncertain significance. Last evaluated: 2024-08-19. Review status: criteria provided, single submitter. Criteria: Invitae Variant Classification Sherloc (09022015). Collection method: clinical testing. Allele origin: germline.
Comment: This sequence change replaces serine, which is neutral and polar, with arginine, which is basic and polar, at codon 281 of the HOXB13 protein (p.Ser281Arg). This variant is not present in population databases (gnomAD no frequency). This variant has not been reported in the literature in individuals affected with HOXB13-related conditions. An algorithm developed to predict the effect of missense changes on protein structure and function (PolyPhen-2) suggests that this variant is likely to be tolerated. In summary, the available evidence is currently insufficient to determine the role of this variant in disease. Therefore, it has been classified as a Variant of Uncertain Significance.

NM_006361.6(HOXB13):c.843C>G (p.Ser281Arg)

Gene: HOXB13 (homeobox B13; minus strand). Cytogenetic location: 17q21.32.
Variant type: single nucleotide variant.
Coding change: c.843C>G on transcript NM_006361.6 (MANE Select); coding-DNA position 843, C replaced by G.
Protein change: p.Ser281Arg; replaces serine 281 with arginine.
Molecular consequence: missense variant.
Genome position (GRCh38, 1-based): chr17:48,726,802, G>C on the plus strand (C>G on the coding strand, the complement: HOXB13 is on the minus strand). VCF-style: chr17-48726802-G-C. GRCh37 (hg19) VCF-style: chr17-46804164-G-C.
Other names: short protein forms S281R.
Identifiers: ClinVar variation 2998390 (VCV002998390.4), dbSNP rs763047500, ClinGen allele CA400105199.
Genomic context (GRCh38, chr17:48,726,802, plus strand): 5'-CCCAGGACACCCCCACTTTCGCTCCTCCCACCCAGGCAAGGAGATCTCTTAAGGGGTAGC[G>C]CTGTTCTTCACCTTGGCGAGAACCTTCTTCTCTTTGACCCGGCGGTTCTGAAACCAGATG-3'
Protein context (NP_006352.2, residues 271-284): EKKVLAKVKN[Ser281Arg]ATP